The following is an entry in ClinVar:

NM_001421.4(ELF4):c.521_525del (p.Lys173_Ser174insTer)

Gene: ELF4 (E74 like ETS transcription factor 4; minus strand). Cytogenetic location: Xq26.1.
Variant type: Deletion.
Coding change: c.521_525del on transcript NM_001421.4 (MANE Select); coding-DNA positions 521 to 525, 5 bases deleted (CAAAG; older notation c.521_525delCAAAG).
Protein change: p.Lys173_Ser174insTer.
Molecular consequence: nonsense.
Genome position (GRCh38, 1-based): chrX:130,072,233-130,072,237, CTTTG deleted on the plus strand (CAAAG on the coding strand, the reverse complement: ELF4 is on the minus strand). VCF-style (leftmost placement, unchanged base first): chrX-130072232-TCTTTG-T. GRCh37 (hg19) VCF-style: chrX-129206207-TCTTTG-T.
Other names: c.521_525del, p.Lys173_Ser174insTer (NM_001127197.2, NM_001440765.1, NM_001440766.1).
Identifiers: ClinVar variation 4281530 (VCV004281530.7).

ClinVar aggregate classification (germline): Pathogenic (1 of 4 stars; one submission).

Submission:

CeGaT Center for Human Genetics Tuebingen
Classification: Pathogenic. Last evaluated: 2025-09-01. Review status: criteria provided, single submitter. Criteria: CeGaT Center For Human Genetics Tuebingen Variant Classification Criteria Version 2. Collection method: clinical testing. Allele origin: germline. Affected: yes. Observed: 1 variant allele.
Comment: ELF4: PVS1, PM2